The following is an entry in ClinVar:

ClinVar aggregate classification (germline): Benign/Likely benign. Review status: criteria provided, multiple submitters, no conflicts (2 of 4 stars). 6 submissions from 6 submitters: Benign (2); Likely benign (1). 3 of the submissions do not count toward it. Last evaluated 2026-05-11.

Conditions:
GLI2-related disorder. Also called: GLI2-related disorders; GLI2-related condition.
Holoprosencephaly 9 (HPE9). Also called: PITUITARY ANOMALIES WITH HOLOPROSENCEPHALY-LIKE FEATURES; HOLOPROSENCEPHALY WITH MICROPHTHALMIA AND FIRST BRANCHIAL ARCH ANOMALIES. Identifiers: Orphanet 2162, MedGen C1835819, MONDO:0012563, OMIM 610829.

Allele frequency attached by ClinVar (database versions not stated): gnomAD exomes 0.00080 and 0.00221; ExAC 0.00247; 1000 Genomes Project 0.00839; 1000 Genomes Project 30x 0.00874; gnomAD 0.00890 and 0.00820; TOPMed 0.00908; ESP Exome Variant Server 0.00969.
gnomAD v4.1: 2,464 of 1,613,870 alleles (0.15%); highest among the groups gnomAD compares: African/African-American, 2.7%; 26 homozygotes.

Submissions (6):

Women's Health and Genetics/Laboratory Corporation of America, LabCorp
Classification: Benign. Last evaluated: 2026-05-11. Review status: criteria provided, single submitter. Criteria: LabCorp Variant Classification Summary - May 2015. Collection method: clinical testing. Allele origin: germline.

GeneDx
Classification: Likely benign. Last evaluated: 2019-11-09. Review status: criteria provided, single submitter. Criteria: GeneDx Variant Classification Process June 2021. Collection method: clinical testing. Allele origin: germline. Affected: yes.

Illumina Laboratory Services, Illumina
Classification: Benign for Holoprosencephaly 9. Last evaluated: 2018-01-13. Review status: criteria provided, single submitter. Criteria: ICSL Variant Classification Criteria 13 December 2019. Collection method: clinical testing. Allele origin: germline.
Comment: This variant was observed in the ICSL laboratory as part of a predisposition screen in an ostensibly healthy population. It had not been previously curated by ICSL or reported in the Human Gene Mutation Database (HGMD: prior to June 1st, 2018), and was therefore a candidate for classification through an automated scoring system. Utilizing variant allele frequency, disease prevalence and penetrance estimates, and inheritance mode, an automated score was calculated to assess if this variant is too frequent to cause the disease. Based on the score and internal cut-off values, a variant classified as benign is not then subjected to further curation. The score for this variant resulted in a classification of benign for this disease.

PreventionGenetics, part of Exact Sciences
Classification: Benign for GLI2-related condition. Last evaluated: 2019-05-01. Review status: no assertion criteria provided. Collection method: clinical testing. Allele origin: germline. Not counted in ClinVar's aggregate classification.
Comment: This variant is classified as benign based on ACMG/AMP sequence variant interpretation guidelines (Richards et al. 2015 PMID: 25741868, with internal and published modifications).

Clinical Genetics, Academic Medical Center
Classification: Benign. Review status: no assertion criteria provided. Collection method: clinical testing. Allele origin: germline. Affected: yes. Study: VKGL Data-share Consensus. Not counted in ClinVar's aggregate classification.

Joint Genome Diagnostic Labs from Nijmegen and Maastricht, Radboudumc and MUMC+
Classification: Benign. Review status: no assertion criteria provided. Collection method: clinical testing. Allele origin: germline. Affected: yes. Study: VKGL Data-share Consensus. Not counted in ClinVar's aggregate classification.

NM_001374353.1(GLI2):c.-7G>A

Gene: GLI2 (GLI family zinc finger 2; plus strand). Cytogenetic location: 2q14.2.
Variant type: single nucleotide variant.
Coding change: c.-7G>A on transcript NM_001374353.1 (MANE Select); 7 bases upstream of the start codon, G replaced by A.
Molecular consequence: 5 prime UTR variant.
Genome position (GRCh38, 1-based): chr2:120,797,314, G>A. VCF-style: chr2-120797314-G-A. GRCh37 (hg19) VCF-style: chr2-121554890-G-A.
Other names: c.-7G>A (NM_001371271.1, NM_005270.5); c.-276G>A (NM_001374354.1).
Identifiers: ClinVar variation 259708 (VCV000259708.15), dbSNP rs112131051, ClinGen allele CA1851370.
Genomic context (GRCh38, chr2:120,797,314, plus strand): 5'-GCTCAGTGTTGGTGAGTGTCTTTGTCTTCTCTTTTAGGATTGCCACCCAGGACGATGAGC[G>A]GCTGAGATGGAGACGTCTGCCTCAGCCACTGCCTCCGAGAAGCAAGAAGCCAAAAGTGGG-3'